The following is an entry in ClinVar:

ClinVar aggregate classification (germline): Uncertain significance. Review status: criteria provided, multiple submitters, no conflicts (2 of 4 stars). 4 submissions from 4 submitters: Uncertain significance (4). Last evaluated 2025-09-28.

Conditions:
Inborn genetic diseases. Identifiers: MedGen C0950123, MeSH D030342.
Familial cold autoinflammatory syndrome 2 (FCAS2). Identifiers: Orphanet 247868, MedGen C2673198, MONDO:0012724, OMIM 611762.

Allele frequency attached by ClinVar (database versions not stated): gnomAD 0.00002; ESP Exome Variant Server 0.00008.
gnomAD v4.1: 11 of 1,614,044 alleles (0.00068%); highest among the groups gnomAD compares: African/African-American, 0.0027%; no homozygotes.

Submissions (4):

Ambry Genetics
Classification: Uncertain significance for Inborn genetic diseases. Last evaluated: 2025-09-28. Review status: criteria provided, single submitter. Criteria: Ambry Variant Classification Scheme 2023. Collection method: clinical testing. Allele origin: germline.

Blueprint Genetics
Classification: Uncertain significance. Last evaluated: 2023-11-10. Review status: criteria provided, single submitter. Criteria: ACMG Guidelines, 2015. Collection method: clinical testing. Allele origin: germline.

Labcorp Genetics (formerly Invitae), Labcorp
Classification: Uncertain significance for Familial cold autoinflammatory syndrome 2. Last evaluated: 2022-05-11. Review status: criteria provided, single submitter. Criteria: Invitae Variant Classification Sherloc (09022015). Collection method: clinical testing. Allele origin: germline.
Comment: This variant has not been reported in the literature in individuals affected with NLRP12-related conditions. This variant is present in population databases (rs149951954, gnomAD 0.01%). This sequence change replaces glycine, which is neutral and non-polar, with serine, which is neutral and polar, at codon 957 of the NLRP12 protein (p.Gly957Ser). In summary, the available evidence is currently insufficient to determine the role of this variant in disease. Therefore, it has been classified as a Variant of Uncertain Significance. Algorithms developed to predict the effect of missense changes on protein structure and function are either unavailable or do not agree on the potential impact of this missense change (SIFT: "Deleterious"; PolyPhen-2: "Probably Damaging"; Align-GVGD: "Class C0").

Breakthrough Genomics
Classification: Uncertain significance. Review status: criteria provided, single submitter. Criteria: ACMG Guidelines, 2015. Collection method: not provided. Allele origin: germline. Inheritance: Autosomal dominant inheritance. Affected: yes.

NM_144687.4(NLRP12):c.2869G>A (p.Gly957Ser)

Gene: NLRP12 (NLR family pyrin domain containing 12; minus strand). Cytogenetic location: 19q13.42.
Variant type: single nucleotide variant.
Coding change: c.2869G>A on transcript NM_144687.4 (MANE Select); coding-DNA position 2869, G replaced by A.
Protein change: p.Gly957Ser; replaces glycine 957 with serine.
Molecular consequence: missense variant. On other transcripts: intron variant (1).
Genome position (GRCh38, 1-based): chr19:53,798,301, C>T on the plus strand (G>A on the coding strand, the complement: NLRP12 is on the minus strand). VCF-style: chr19-53798301-C-T. GRCh37 (hg19) VCF-style: chr19-54301555-C-T.
Other names: c.2869G>A (NM_144687.2); c.2872G>A, p.Gly958Ser (NM_001277126.2); c.2757-2272G>A (NM_001277129.1); short protein forms G957S, G958S.
Identifiers: ClinVar variation 1462068 (VCV001462068.11), dbSNP rs149951954, ClinGen allele CA310059776.